The following is an entry in ClinVar:

ClinVar aggregate classification (germline): Uncertain significance. Review status: criteria provided, multiple submitters, no conflicts (2 of 4 stars). 2 submissions from 2 submitters: Uncertain significance (2). Last evaluated 2025-09-28.

Conditions:
Inborn genetic diseases. Identifiers: MedGen C0950123, MeSH D030342.

gnomAD v4.1: 58 of 1,614,058 alleles (0.0036%); highest among the groups gnomAD compares: Admixed American, 0.015%; 1 homozygote.

Submissions (2):

Ambry Genetics
Classification: Uncertain significance for Inborn genetic diseases. Last evaluated: 2025-09-28. Review status: criteria provided, single submitter. Criteria: Ambry Variant Classification Scheme 2023. Collection method: clinical testing. Allele origin: germline.

GeneDx
Classification: Uncertain significance. Last evaluated: 2025-05-12. Review status: criteria provided, single submitter. Criteria: GeneDx Variant Classification Process June 2021. Collection method: clinical testing. Allele origin: germline. Affected: yes.
Comment: In silico analysis supports that this missense variant has a deleterious effect on protein structure/function; Has not been previously published as pathogenic or benign to our knowledge

NM_020436.5(SALL4):c.985C>T (p.Arg329Cys)

Gene: SALL4 (spalt like transcription factor 4; minus strand). Cytogenetic location: 20q13.2.
Variant type: single nucleotide variant.
Coding change: c.985C>T on transcript NM_020436.5 (MANE Select); coding-DNA position 985, C replaced by T.
Protein change: p.Arg329Cys; replaces arginine 329 with cysteine.
Molecular consequence: missense variant.
Genome position (GRCh38, 1-based): chr20:51,791,498, G>A on the plus strand (C>T on the coding strand, the complement: SALL4 is on the minus strand). VCF-style: chr20-51791498-G-A. GRCh37 (hg19) VCF-style: chr20-50408037-G-A.
Other names: c.985C>T, p.Arg329Cys (NM_001318031.2); short protein forms R329C.
Identifiers: ClinVar variation 4529873 (VCV004529873.2).